The following is an entry in ClinVar:

ClinVar aggregate classification (germline): Uncertain significance (1 of 4 stars; one submission).

gnomAD v4.1: 2 of 1,614,192 alleles (0.00012%); highest among the groups gnomAD compares: Non-Finnish European, 0.00017%; no homozygotes.

Submission:

Labcorp Genetics (formerly Invitae), Labcorp
Classification: Uncertain significance. Last evaluated: 2021-12-02. Review status: criteria provided, single submitter. Criteria: Invitae Variant Classification Sherloc (09022015). Collection method: clinical testing. Allele origin: germline.
Comment: This variant is not present in population databases (gnomAD no frequency). This sequence change replaces proline, which is neutral and non-polar, with serine, which is neutral and polar, at codon 95 of the CNGA3 protein (p.Pro95Ser). This variant has not been reported in the literature in individuals affected with CNGA3-related conditions. In summary, the available evidence is currently insufficient to determine the role of this variant in disease. Therefore, it has been classified as a Variant of Uncertain Significance. Advanced modeling of protein sequence and biophysical properties (such as structural, functional, and spatial information, amino acid conservation, physicochemical variation, residue mobility, and thermodynamic stability) performed at Invitae indicates that this missense variant is not expected to disrupt CNGA3 protein function.

NM_001298.3(CNGA3):c.283C>T (p.Pro95Ser)

Gene: CNGA3 (cyclic nucleotide gated channel subunit alpha 3; plus strand). Cytogenetic location: 2q11.2.
Variant type: single nucleotide variant.
Coding change: c.283C>T on transcript NM_001298.3 (MANE Select); coding-DNA position 283, C replaced by T.
Protein change: p.Pro95Ser; replaces proline 95 with serine.
Molecular consequence: missense variant.
Genome position (GRCh38, 1-based): chr2:98,380,242, C>T. VCF-style: chr2-98380242-C-T. GRCh37 (hg19) VCF-style: chr2-98996705-C-T.
Other names: c.283C>T, p.Pro95Ser (NM_001079878.2); short protein forms P95S.
Identifiers: ClinVar variation 2023803 (VCV002023803.4), dbSNP rs1558812920, ClinGen allele CA347831029.